The following is an entry in ClinVar:

NM_000053.4(ATP7B):c.2355G>A (p.Lys785=)

Gene: ATP7B (ATPase copper transporting beta; minus strand). Cytogenetic location: 13q14.3.
Variant type: single nucleotide variant.
Coding change: c.2355G>A on transcript NM_000053.4 (MANE Select); coding-DNA position 2355, G replaced by A.
Protein change: p.Lys785=; no amino-acid change (lysine 785 retained).
Molecular consequence: synonymous variant. On other transcripts: intron variant (2).
Genome position (GRCh38, 1-based): chr13:51,958,311, C>T on the plus strand (G>A on the coding strand, the complement: ATP7B is on the minus strand). VCF-style: chr13-51958311-C-T. GRCh37 (hg19) VCF-style: chr13-52532447-C-T.
Other names: c.2022G>A, p.Lys674= (NM_001243182.2); c.2103G>A, p.Lys701= (NM_001330579.2); c.1870-704G>A (NM_001005918.3); c.2122-704G>A (NM_001330578.2).
Identifiers: ClinVar variation 996351 (VCV000996351.3), dbSNP rs1958487080, ClinGen allele CA483896006.

ClinVar aggregate classification (germline): Likely pathogenic. Review status: criteria provided, multiple submitters, no conflicts (2 of 4 stars). 2 submissions from 2 submitters: Likely pathogenic (2). Last evaluated 2025-05-27.

Conditions:
Wilson disease (WND). Also called: Wilson's disease. Identifiers: Orphanet 905, MedGen C0019202, MONDO:0010200, OMIM 277900. Disease mechanism: loss of function.

Allele frequency attached by ClinVar (database versions not stated): gnomAD exomes below 0.00001.
gnomAD v4.1: 1 of 1,614,112 alleles (0.000062%); highest among the groups gnomAD compares: Non-Finnish European, 0.000085%; no homozygotes.

Submissions (2):

Natera, Inc.
Classification: Likely pathogenic for Wilson disease. Last evaluated: 2025-05-27. Review status: criteria provided, single submitter. Criteria: Natera Variant Classification Schema (03/2026). Collection method: clinical testing. Allele origin: germline.
Comment: The c.2355G>A variant in ATP7B is a synonymous variant that does not alter the encoded amino acid at position 785 (p.K785=). This variant is rare in the general population with a frequency below the threshold expected for the associated phenotype(s). This variant has been observed in one or more individuals affected with the associated recessive disease, as either homozygous or compound heterozygous with a second variant (PMID: 36777461). This variant has been identified in one or more affected individuals with a phenotype highly consistent with the associated gene (PMID: 36777461). Computational prediction algorithms indicate this variant is likely to affect gene or protein function. Given the available evidence, this variant is classified as Likely Pathogenic.

MVZ Dr. Eberhard & Partner Dortmund
Classification: Likely pathogenic. Last evaluated: 2021-01-15. Review status: criteria provided, single submitter. Criteria: ACMG Guidelines, 2015. Collection method: clinical testing. Allele origin: paternal, maternal. Observed: 2 compound heterozygotes. Clinical features observed: Acute hepatic failure, Increased urinary copper concentration.
Comment: This transition at a highly conserved position (phyloP: 4.32 [-14.1;6.4]) does not alter the amino acid sequence (synonymous substitution of Lys). This variant is absent from controls in Exome Sequencing Project, 1000 Genomes Project and Exome Aggregation Consortium. Two splice programs predicted a loss or attenuation of the wildtype donor site (-79,1% and -87%). Without alternative donor site this could lead to an in-frame deletion of exon 8 in case of skipping or to a stop codon 49 codons later if intron 8 remains.

Literature cited by the submitters: PubMed 36777461 (cited by Natera, Inc.).